The following is an entry in ClinVar:

ClinVar aggregate classification (germline): Uncertain significance (1 of 4 stars; one submission).

Allele frequency attached by ClinVar (database versions not stated): ExAC 0.00001; gnomAD exomes 0.00001; TOPMed 0.00001.

Submission:

Labcorp Genetics (formerly Invitae), Labcorp
Classification: Uncertain significance. Last evaluated: 2022-10-13. Review status: criteria provided, single submitter. Criteria: Invitae Variant Classification Sherloc (09022015). Collection method: clinical testing. Allele origin: germline.
Comment: This sequence change replaces alanine, which is neutral and non-polar, with threonine, which is neutral and polar, at codon 506 of the ZNF513 protein (p.Ala506Thr). This variant is present in population databases (no rsID available, gnomAD 0.002%). This variant has not been reported in the literature in individuals affected with ZNF513-related conditions. Algorithms developed to predict the effect of missense changes on protein structure and function are either unavailable or do not agree on the potential impact of this missense change (SIFT: "Deleterious"; PolyPhen-2: "Possibly Damaging"; Align-GVGD: "Class C0"). In summary, the available evidence is currently insufficient to determine the role of this variant in disease. Therefore, it has been classified as a Variant of Uncertain Significance.

NM_144631.6(ZNF513):c.1516G>A (p.Ala506Thr)

Gene: ZNF513 (zinc finger protein 513; minus strand). Cytogenetic location: 2p23.3.
Variant type: single nucleotide variant.
Coding change: c.1516G>A on transcript NM_144631.6 (MANE Select); coding-DNA position 1516, G replaced by A.
Protein change: p.Ala506Thr; replaces alanine 506 with threonine.
Molecular consequence: missense variant.
Genome position (GRCh38, 1-based): chr2:27,377,655, C>T on the plus strand (G>A on the coding strand, the complement: ZNF513 is on the minus strand). VCF-style: chr2-27377655-C-T. GRCh37 (hg19) VCF-style: chr2-27600522-C-T.
Other names: c.1330G>A, p.Ala444Thr (NM_001201459.2); short protein forms A444T, A506T.
Identifiers: ClinVar variation 1944434 (VCV001944434.5), dbSNP rs1200049952, ClinGen allele CA1577784.